The following is an entry in ClinVar:

ClinVar aggregate classification (germline): Uncertain significance (1 of 4 stars; one submission).

Conditions:
Long QT syndrome (LQTS). Identifiers: MedGen C0023976, MeSH D008133, MONDO:0002442. Disease mechanism: loss of function. Inheritance: Various modes of inheritance.

Submission:

Labcorp Genetics (formerly Invitae), Labcorp
Classification: Uncertain significance for Long QT syndrome. Last evaluated: 2023-11-14. Review status: criteria provided, single submitter. Criteria: Invitae Variant Classification Sherloc (09022015). Collection method: clinical testing. Allele origin: germline.
Comment: This sequence change replaces valine, which is neutral and non-polar, with leucine, which is neutral and non-polar, at codon 307 of the KCNQ1 protein (p.Val307Leu). This variant is not present in population databases (gnomAD no frequency). This missense change has been observed in individual(s) with short QT syndrome (PMID: 15159330). ClinVar contains an entry for this variant (Variation ID: 859740). An algorithm developed to predict the effect of missense changes on protein structure and function (PolyPhen-2) suggests that this variant is likely to be disruptive. Experimental studies have shown that this missense change affects KCNQ1 function (PMID: 11278406, 15159330, 19862833, 20436212). In summary, the available evidence is currently insufficient to determine the role of this variant in disease. Therefore, it has been classified as a Variant of Uncertain Significance.

Literature cited by the submitters: PubMed 15159330; PubMed 11278406; PubMed 19862833; PubMed 20436212.

NM_000218.3(KCNQ1):c.919G>T (p.Val307Leu)

Gene: KCNQ1 (potassium voltage-gated channel subfamily Q member 1; plus strand). Cytogenetic location: 11p15.5.
Variant type: single nucleotide variant.
Coding change: c.919G>T on transcript NM_000218.3 (MANE Select); coding-DNA position 919, G replaced by T.
Protein change: p.Val307Leu; replaces valine 307 with leucine.
Molecular consequence: missense variant.
Genome position (GRCh38, 1-based): chr11:2,572,984, G>T. VCF-style: chr11-2572984-G-T. GRCh37 (hg19) VCF-style: chr11-2594214-G-T.
Other names: c.919G>T, p.Val307Leu (NM_001406836.1); c.649G>T, p.Val217Leu (NM_001406837.1); c.538G>T, p.Val180Leu (NM_181798.2); short protein forms V307L, V180L, V217L.
Identifiers: ClinVar variation 859740 (VCV000859740.11), dbSNP rs120074195, ClinGen allele CA379131793.